The following is an entry in ClinVar:

NM_007055.4(POLR3A):c.396C>T (p.Pro132=)

Genes: POLR3A (RNA polymerase III subunit A; minus strand), LOC126860971 (CDK7 strongly-dependent group 2 enhancer GRCh37_chr10:79784551-79785750; plus strand). Cytogenetic location: 10q22.3.
Variant type: single nucleotide variant.
Coding change: c.396C>T on transcript NM_007055.4 (MANE Select); coding-DNA position 396, C replaced by T.
Protein change: p.Pro132=; no amino-acid change (proline 132 retained).
Molecular consequence: synonymous variant.
Genome position (GRCh38, 1-based): chr10:78,025,065, G>A on the plus strand (C>T on the coding strand, the complement: POLR3A is on the minus strand). VCF-style: chr10-78025065-G-A. GRCh37 (hg19) VCF-style: chr10-79784823-G-A.
Identifiers: ClinVar variation 709701 (VCV000709701.22), dbSNP rs143082293, ClinGen allele CA5571711.
Genomic context (GRCh38, chr10:78,025,065, plus strand): 5'-CTTCCGGCACTTGTCAGAGATTTTCTTTTTCAGTCCTCGCTTCTGAAGGTAGGTCAGGCC[G>A]GGCCTCTTTAGATAGTCCAGAAACTGCTTCTTCTCCTCTTGGGACAGCATGATGTGGCAG-3'
Protein context (NP_008986.2, residues 122-142): KKQFLDYLKR[Pro132=]GLTYLQKRGL

ClinVar aggregate classification (germline): Likely benign. Review status: criteria provided, multiple submitters, no conflicts (2 of 4 stars). 2 submissions from 2 submitters: Likely benign (2). Last evaluated 2025-11-03.

Allele frequency attached by ClinVar (database versions not stated): gnomAD exomes 0.00005 and 0.00006; ExAC 0.00007; gnomAD 0.00013; TOPMed 0.00020; ESP Exome Variant Server 0.00031.
gnomAD v4.1: 99 of 1,613,970 alleles (0.0061%); highest among the groups gnomAD compares: African/African-American, 0.037%; no homozygotes.

Submissions (2):

Labcorp Genetics (formerly Invitae), Labcorp
Classification: Likely benign. Last evaluated: 2025-11-03. Review status: criteria provided, single submitter. Criteria: Invitae Variant Classification Sherloc (09022015). Collection method: clinical testing. Allele origin: germline.

CeGaT Center for Human Genetics Tuebingen
Classification: Likely benign. Last evaluated: 2025-02-01. Review status: criteria provided, single submitter. Criteria: CeGaT Center For Human Genetics Tuebingen Variant Classification Criteria Version 2. Collection method: clinical testing. Allele origin: germline. Affected: yes. Observed: 1 variant allele.
Comment: POLR3A: BP4, BP7